The following is an entry in ClinVar:

NM_000548.5(TSC2):c.1444-19C>T

Gene: TSC2 (TSC complex subunit 2; plus strand). Cytogenetic location: 16p13.3.
Variant type: single nucleotide variant.
Coding change: c.1444-19C>T on transcript NM_000548.5 (MANE Select); 19 bases into the intron before coding-DNA position 1444, C replaced by T.
Molecular consequence: intron variant.
Genome position (GRCh38, 1-based): chr16:2,064,253, C>T. VCF-style: chr16-2064253-C-T. GRCh37 (hg19) VCF-style: chr16-2114254-C-T.
Other names: c.844-19C>T (NM_001406686.1, NM_001406680.1, NM_001406683.1 and 6 more transcripts); c.1477-19C>T (NM_001318832.2); c.100-19C>T (NM_001406693.1, NM_001406689.1, NM_001406690.1 and 6 more transcripts); c.1534-19C>T (NM_001406667.1, NM_001406668.1); c.-159-19C>T (NM_001406698.1); c.1444-19C>T (NM_001114382.3, NM_001406663.1, NM_001406664.1 and 6 more transcripts); c.1432-19C>T (NM_001406671.1, NM_001406673.1); c.982-19C>T (NM_001406681.1); and 3 more.
Identifiers: ClinVar variation 3695008 (VCV003695008.3).

ClinVar aggregate classification (germline): Likely benign. Review status: criteria provided, multiple submitters, no conflicts (2 of 4 stars). 2 submissions from 2 submitters: Likely benign (2). Last evaluated 2025-05-14.

Conditions:
Tuberous sclerosis 2 (TSC2). Identifiers: Orphanet 805, MedGen C1860707, MONDO:0013199, OMIM 613254.

Submissions (2):

Myriad Genetics, Inc.
Classification: Likely benign for Tuberous sclerosis 2. Last evaluated: 2025-05-14. Review status: criteria provided, single submitter. Criteria: Myriad Autosomal Dominant, Autosomal Recessive and X-Linked Classification Criteria (2023). Collection method: clinical testing. Allele origin: unknown.
Comment: This variant is considered likely benign. This variant is intronic and is not expected to impact mRNA splicing.

Labcorp Genetics (formerly Invitae), Labcorp
Classification: Likely benign for Tuberous sclerosis 2. Last evaluated: 2024-07-08. Review status: criteria provided, single submitter. Criteria: Invitae Variant Classification Sherloc (09022015). Collection method: clinical testing. Allele origin: germline.